The following is an entry in ClinVar:

NM_001040142.2(SCN2A):c.1243T>C (p.Tyr415His)

Gene: SCN2A (sodium voltage-gated channel alpha subunit 2; plus strand). Cytogenetic location: 2q24.3.
Variant type: single nucleotide variant.
Coding change: c.1243T>C on transcript NM_001040142.2 (MANE Select); coding-DNA position 1243, T replaced by C.
Protein change: p.Tyr415His; replaces tyrosine 415 with histidine.
Molecular consequence: missense variant.
Genome position (GRCh38, 1-based): chr2:165,313,968, T>C. VCF-style: chr2-165313968-T-C. GRCh37 (hg19) VCF-style: chr2-166170478-T-C.
Other names: c.1243T>C, p.Tyr415His (NM_001040143.2, NM_001371246.1, NM_001371247.1 and 1 more transcripts); short protein forms Y415H.
Identifiers: ClinVar variation 3236774 (VCV003236774.1), dbSNP rs2467902634.

ClinVar aggregate classification (germline): Likely pathogenic (1 of 4 stars; one submission).

Conditions:
Developmental and epileptic encephalopathy, 11 (DEE11). Also called: Early infantile epileptic encephalopathy 11. Identifiers: Orphanet 1934, MedGen C3150987, MONDO:0013388, OMIM 613721.

Submission:

MVZ Medizinische Genetik Mainz
Classification: Likely pathogenic for Developmental and epileptic encephalopathy, 11. Last evaluated: 2023-04-21. Review status: criteria provided, single submitter. Criteria: UK Practice Guidelines For Variant Classification V4 01 2020. Collection method: clinical testing. Allele origin: germline. Inheritance: Autosomal dominant inheritance. Affected: yes. Observed: 1 variant allele.
Comment: ACMG Criteria: PP3_STR,PM2_SUP,PP2